The following is an entry in ClinVar:

ClinVar aggregate classification (germline): Benign. Review status: criteria provided, multiple submitters, no conflicts (2 of 4 stars). 8 submissions from 7 submitters: Benign (6). 2 of the submissions do not count toward it. Last evaluated 2026-02-02.

Conditions:
Split hand-foot malformation 6. Also called: ECTRODACTYLY, AUTOSOMAL RECESSIVE. Identifiers: Orphanet 2440, MedGen C2749665, MONDO:0009157, OMIM 225300.
Tooth agenesis, selective, 8 (STHAG8). Identifiers: Orphanet 99798, MedGen C4310730, MONDO:0014901, OMIM 617073.

Allele frequency attached by ClinVar (database versions not stated): ESP Exome Variant Server 0.30609; 1000 Genomes Project 30x 0.30762; 1000 Genomes Project 0.31110; gnomAD 0.32338 and 0.32451; TOPMed 0.33614; ExAC 0.37052; gnomAD exomes 0.37512 and 0.38197.
gnomAD v4.1: 597,171 of 1,613,570 alleles (37%); highest among the groups gnomAD compares: Admixed American, 52%; 115,210 homozygotes.

Submissions (8):

Labcorp Genetics (formerly Invitae), Labcorp
Classification: Benign. Last evaluated: 2026-02-02. Review status: criteria provided, single submitter. Criteria: Invitae Variant Classification Sherloc (09022015). Collection method: clinical testing. Allele origin: germline.

Blueprint Genetics
Classification: Benign. Last evaluated: 2024-11-27. Review status: criteria provided, single submitter. Criteria: ACMG Guidelines, 2015. Collection method: clinical testing. Allele origin: germline.

Genome-Nilou Lab
Classification: Benign for Split hand-foot malformation 6. Last evaluated: 2021-12-05. Review status: criteria provided, single submitter. Criteria: ACMG Guidelines, 2015. Collection method: clinical testing. Allele origin: germline. Affected: no.

Genome-Nilou Lab
Classification: Benign for Tooth agenesis, selective, 8. Last evaluated: 2021-12-05. Review status: criteria provided, single submitter. Criteria: ACMG Guidelines, 2015. Collection method: clinical testing. Allele origin: germline. Affected: no.

GeneDx
Classification: Benign. Last evaluated: 2018-12-02. Review status: criteria provided, single submitter. Criteria: GeneDx Variant Classification Process June 2021. Collection method: clinical testing. Allele origin: germline. Affected: yes.
Comment: This variant is associated with the following publications: (PMID: 19702932, 23104151, 29620206)

Breakthrough Genomics
Classification: Benign. Review status: criteria provided, single submitter. Criteria: ACMG Guidelines, 2015. Collection method: not provided. Allele origin: germline. Inheritance: Autosomal recessive inheritance. Affected: yes.

Diagnostic Laboratory, Department of Genetics, University Medical Center Groningen
Classification: Benign. Review status: no assertion criteria provided. Collection method: clinical testing. Allele origin: germline. Affected: yes. Study: VKGL Data-share Consensus. Not counted in ClinVar's aggregate classification.

Joint Genome Diagnostic Labs from Nijmegen and Maastricht, Radboudumc and MUMC+
Classification: Benign. Review status: no assertion criteria provided. Collection method: clinical testing. Allele origin: germline. Affected: yes. Study: VKGL Data-share Consensus. Not counted in ClinVar's aggregate classification.

NM_003394.4(WNT10B):c.1059C>T (p.His353=)

Gene: WNT10B (Wnt family member 10B; minus strand). Cytogenetic location: 12q13.12.
Variant type: single nucleotide variant.
Coding change: c.1059C>T on transcript NM_003394.4 (MANE Select); coding-DNA position 1059, C replaced by T.
Protein change: p.His353=; no amino-acid change (histidine 353 retained).
Molecular consequence: synonymous variant.
Genome position (GRCh38, 1-based): chr12:48,966,206, G>A on the plus strand (C>T on the coding strand, the complement: WNT10B is on the minus strand). VCF-style: chr12-48966206-G-A. GRCh37 (hg19) VCF-style: chr12-49359989-G-A.
Identifiers: ClinVar variation 1175136 (VCV001175136.17), dbSNP rs1051886, ClinGen allele CA6544042.